The following is an entry in ClinVar:

NM_000169.3(GLA):c.1021_1022insT (p.Glu341fs)

Genes: GLA (galactosidase alpha; minus strand), RPL36A-HNRNPH2 (RPL36A-HNRNPH2 readthrough; plus strand). Cytogenetic location: Xq22.1.
Variant type: Insertion.
Coding change: c.1021_1022insT on transcript NM_000169.3 (MANE Select); coding-DNA positions 1021 to 1022, T inserted.
Protein change: p.Glu341fs; shifts the reading frame from glutamic acid 341.
Molecular consequence: frameshift variant. On other transcripts: non-coding transcript variant (3), intron variant (2).
Genome position: GRCh38 VCF-style: chrX-101398077-T-TA. GRCh37 (hg19) VCF-style: chrX-100653065-T-TA.
Other names: c.1144_1145insT, p.Glu382fs (NM_001406747.1); c.300+2620_300+2621insA (NM_001199973.2); c.177+6255_177+6256insA (NM_001199974.2); short protein forms E341fs, E382fs.
Identifiers: ClinVar variation 4087039 (VCV004087039.2).
Genomic context (GRCh38, chrX:101,398,077, plus strand): 5'-CCACCAATCTCCTGCCGGTTTATCATAGCTACAGCCCAGGCTAAGCCTGAGAGAGGTCGT[T>TA]CCCACACTTCAAAGTTGTCTCCCTGAAAAACCAAGAAAGTGTGGTTGCTTAGCAACTAGT-3'

ClinVar aggregate classification (germline): Pathogenic (1 of 4 stars; one submission).

Conditions:
Fabry disease. Also called: ALPHA-GALACTOSIDASE A DEFICIENCY; ANDERSON-FABRY DISEASE; CERAMIDE TRIHEXOSIDASE DEFICIENCY; GLA DEFICIENCY; HEREDITARY DYSTOPIC LIPIDOSIS; Angiokeratoma corporis diffusum. Identifiers: Orphanet 324, MedGen C0002986, MONDO:0010526, OMIM 301500, HP:0001071. Disease mechanism: Fabry disease is due to inactivating mutations in the X-linked GLA gene resulting in deficiency of the enzyme Alpha Galactosidase-A., loss of function.

Submission:

Genomenon, Inc
Classification: Pathogenic for Fabry disease. Last evaluated: 2026-09-08. Review status: criteria provided, single submitter. Criteria: Genomenon Sequence Variant Interpretation Standards - Updated. Collection method: curation. Allele origin: germline. Affected: yes.
Comment: GLA p.Glu341ValfsTer34 (c.1021_1022insT) is a frameshift variant that is predicted to introduce a premature termination codon and result in a truncated or absent protein product. This variant has been observed in at least one proband with clinical features consistent with Fabry disease (PMID:18057066). At least one functional study has demonstrated a substantial alteration in protein function relative to the wild-type (PMID:18205205). It is absent or not present at a significant frequency in gnomAD. In conclusion, we classify GLA p.Glu341ValfsTer34 (c.1021_1022insT) as a pathogenic variant.

Literature cited by the submitters: PubMed 18057066; PubMed 18205205.